The following is an entry in ClinVar:

ClinVar aggregate classification (germline): Uncertain significance. Review status: criteria provided, multiple submitters, no conflicts (2 of 4 stars). 2 submissions from 2 submitters: Uncertain significance (2). Last evaluated 2026-08-03.

Conditions:
Hereditary sensory and autonomic neuropathy type 7. Also called: HSAN VII; Neuropathy, hereditary sensory and autonomic, type VII. Identifiers: Orphanet 391397, MedGen C3809882, MONDO:0014244, OMIM 615548.
Familial episodic pain syndrome with predominantly lower limb involvement. Also called: Episodic pain syndrome, familial, 3. Identifiers: Orphanet 391384, Orphanet 391392, MedGen C3809899, MONDO:0014247, OMIM 615552.
SCN11A-related disorder. Also called: SCN11A-related condition.

Allele frequency attached by ClinVar (database versions not stated): gnomAD exomes below 0.00001; TOPMed 0.00001.
gnomAD v4.1: 3 of 1,610,742 alleles (0.00019%); highest among the groups gnomAD compares: African/African-American, 0.0013%; no homozygotes.

Submissions (2):

PreventionGenetics, part of Exact Sciences
Classification: Uncertain significance for SCN11A-related condition. Last evaluated: 2026-08-03. Review status: criteria provided, single submitter. Criteria: ACMG Guidelines, 2015. Collection method: clinical testing. Allele origin: germline.
Comment: The SCN11A c.3244A>C variant is predicted to result in the amino acid substitution p.Asn1082His. To our knowledge, this variant has not been reported in the literature. This variant is reported in 0.0065% of alleles in individuals of European (non-Finnish) descent in gnomAD. At this time, the clinical significance of this variant is uncertain due to the absence of conclusive functional and genetic evidence.

Labcorp Genetics (formerly Invitae), Labcorp
Classification: Uncertain significance for Familial episodic pain syndrome with predominantly lower limb involvement; Hereditary sensory and autonomic neuropathy type 7. Last evaluated: 2026-01-10. Review status: criteria provided, single submitter. Criteria: Invitae Variant Classification Sherloc (09022015). Collection method: clinical testing. Allele origin: germline.
Comment: This sequence change replaces asparagine, which is neutral and polar, with histidine, which is basic and polar, at codon 1082 of the SCN11A protein (p.Asn1082His). This variant is present in population databases (no rsID available, gnomAD 0.007%). This variant has not been reported in the literature in individuals affected with SCN11A-related conditions. ClinVar contains an entry for this variant (Variation ID: 1371495). Invitae Evidence Modeling of protein sequence and biophysical properties (such as structural, functional, and spatial information, amino acid conservation, physicochemical variation, residue mobility, and thermodynamic stability) indicates that this missense variant is not expected to disrupt SCN11A protein function with a negative predictive value of 80%. In summary, the available evidence is currently insufficient to determine the role of this variant in disease. Therefore, it has been classified as a Variant of Uncertain Significance.

NM_001349253.2(SCN11A):c.3244A>C (p.Asn1082His)

Gene: SCN11A (sodium voltage-gated channel alpha subunit 11; minus strand). Cytogenetic location: 3p22.2.
Variant type: single nucleotide variant.
Coding change: c.3244A>C on transcript NM_001349253.2 (MANE Select); coding-DNA position 3244, A replaced by C.
Protein change: p.Asn1082His; replaces asparagine 1082 with histidine.
Molecular consequence: missense variant.
Genome position (GRCh38, 1-based): chr3:38,880,099, T>G on the plus strand (A>C on the coding strand, the complement: SCN11A is on the minus strand). VCF-style: chr3-38880099-T-G. GRCh37 (hg19) VCF-style: chr3-38921590-T-G.
Other names: c.3244A>C (NM_014139.2); c.3244A>C, p.Asn1082His (NM_014139.3); short protein forms N1082H.
Identifiers: ClinVar variation 1371495 (VCV001371495.7), dbSNP rs1281980551, ClinGen allele CA352172809.